The following is an entry in ClinVar:

NC_000010.10:g.(?_445029)_(735518_?)dup

Gene: DIP2C (disco interacting protein 2 homolog C; minus strand). Cytogenetic location: 10p15.3.
Variant type: Duplication.
Identifiers: ClinVar variation 2426030 (VCV002426030.4).

ClinVar aggregate classification (germline): Uncertain significance (1 of 4 stars; one submission).

Submission:

Labcorp Genetics (formerly Invitae), Labcorp
Classification: Uncertain significance. Last evaluated: 2022-01-21. Review status: criteria provided, single submitter. Criteria: Invitae Variant Classification Sherloc (09022015). Collection method: clinical testing. Allele origin: germline.
Comment: In summary, the available evidence is currently insufficient to determine the role of this variant in disease. Therefore, it has been classified as a Variant of Uncertain Significance. This variant has not been reported in the literature in individuals affected with DIP2C-related conditions. This variant is a gross deletion of the genomic region encompassing exon(s) 1-10 of the DIP2C gene, which includes the initiator codon. This deletion extends beyond the assayed region for this gene and therefore may encompass additional genes. It is expected to result in an absent or disrupted protein product. However, the current clinical and genetic evidence is not sufficient to establish whether loss-of-function variants in DIP2C cause disease.